The following is an entry in ClinVar:

ClinVar aggregate classification (germline): Uncertain significance (1 of 4 stars; one submission).

Submission:

Ambry Genetics
Classification: Uncertain significance. Last evaluated: 2024-02-27. Review status: criteria provided, single submitter. Criteria: Ambry Variant Classification Scheme 2023. Collection method: clinical testing. Allele origin: germline.
Comment: The p.P1453T variant (also known as c.4357C>A), located in coding exon 12 of the MLH3 gene, results from a C to A substitution at nucleotide position 4357. The proline at codon 1453 is replaced by threonine, an amino acid with highly similar properties. This amino acid position is conserved. In addition, this alteration is predicted to be tolerated by in silico analysis. Since supporting evidence is limited at this time, the clinical significance of this alteration remains unclear.

NM_001040108.2(MLH3):c.4357C>A (p.Pro1453Thr)

Gene: MLH3 (mutL homolog 3; minus strand). Cytogenetic location: 14q24.3.
Variant type: single nucleotide variant.
Coding change: c.4357C>A on transcript NM_001040108.2 (MANE Select); coding-DNA position 4357, C replaced by A.
Protein change: p.Pro1453Thr; replaces proline 1453 with threonine.
Molecular consequence: missense variant.
Genome position (GRCh38, 1-based): chr14:75,017,087, G>T on the plus strand (C>A on the coding strand, the complement: MLH3 is on the minus strand). VCF-style: chr14-75017087-G-T. GRCh37 (hg19) VCF-style: chr14-75483790-G-T.
Other names: c.4285C>A, p.Pro1429Thr (NM_014381.3); short protein forms P1429T, P1453T.
Identifiers: ClinVar variation 1739965 (VCV001739965.2), dbSNP rs1889930562, ClinGen allele CA390417447.